The following is an entry in ClinVar:

ClinVar aggregate classification (germline): Uncertain significance. Review status: criteria provided, multiple submitters, no conflicts (2 of 4 stars). 2 submissions from 2 submitters: Uncertain significance (2). Last evaluated 2025-11-11.

Conditions:
Inborn genetic diseases. Identifiers: MedGen C0950123, MeSH D030342.

Allele frequency attached by ClinVar (database versions not stated): gnomAD exomes 0.00012 and 0.00014; TOPMed 0.00012; gnomAD 0.00011; ESP Exome Variant Server 0.00016; ExAC 0.00033.
gnomAD v4.1: 180 of 1,555,234 alleles (0.012%); highest among the groups gnomAD compares: Non-Finnish European, 0.014%; no homozygotes.

Submissions (2):

Ambry Genetics
Classification: Uncertain significance for Inborn genetic diseases. Last evaluated: 2025-11-11. Review status: criteria provided, single submitter. Criteria: Ambry Variant Classification Scheme 2023. Collection method: clinical testing. Allele origin: germline.

Labcorp Genetics (formerly Invitae), Labcorp
Classification: Uncertain significance. Last evaluated: 2024-10-29. Review status: criteria provided, single submitter. Criteria: Invitae Variant Classification Sherloc (09022015). Collection method: clinical testing. Allele origin: germline.
Comment: This sequence change replaces arginine, which is basic and polar, with tryptophan, which is neutral and slightly polar, at codon 805 of the TONSL protein (p.Arg805Trp). This variant is present in population databases (rs373583717, gnomAD 0.03%). This variant has not been reported in the literature in individuals affected with TONSL-related conditions. ClinVar contains an entry for this variant (Variation ID: 1450650). Invitae Evidence Modeling of protein sequence and biophysical properties (such as structural, functional, and spatial information, amino acid conservation, physicochemical variation, residue mobility, and thermodynamic stability) indicates that this missense variant is expected to disrupt TONSL protein function with a positive predictive value of 80%. In summary, the available evidence is currently insufficient to determine the role of this variant in disease. Therefore, it has been classified as a Variant of Uncertain Significance.

NM_013432.5(TONSL):c.2413C>T (p.Arg805Trp)

Genes: TONSL (tonsoku like, DNA repair protein; minus strand), TONSL-AS1 (TONSL antisense RNA 1; plus strand). Cytogenetic location: 8q24.3.
Variant type: single nucleotide variant.
Coding change: c.2413C>T on transcript NM_013432.5 (MANE Select); coding-DNA position 2413, C replaced by T.
Protein change: p.Arg805Trp; replaces arginine 805 with tryptophan.
Molecular consequence: missense variant.
Genome position (GRCh38, 1-based): chr8:144,436,020, G>A on the plus strand (C>T on the coding strand, the complement: TONSL is on the minus strand). VCF-style: chr8-144436020-G-A. GRCh37 (hg19) VCF-style: chr8-145661403-G-A.
Other names: c.2413C>T (NM_013432.4); short protein forms R805W.
Identifiers: ClinVar variation 1450650 (VCV001450650.6), dbSNP rs373583717, ClinGen allele CA4942836.